The following is an entry in ClinVar:

NM_017679.5(BCAS3):c.13A>G (p.Met5Val)

Gene: BCAS3 (BCAS3 microtubule associated cell migration factor; plus strand). Cytogenetic location: 17q23.2.
Variant type: single nucleotide variant.
Coding change: c.13A>G on transcript NM_017679.5 (MANE Select); coding-DNA position 13, A replaced by G.
Protein change: p.Met5Val; replaces methionine 5 with valine.
Molecular consequence: missense variant.
Genome position (GRCh38, 1-based): chr17:60,679,470, A>G. VCF-style: chr17-60679470-A-G. GRCh37 (hg19) VCF-style: chr17-58756831-A-G.
Other names: c.13A>G, p.Met5Val (NM_001099432.3, NM_001320470.3, NM_001330413.2 and 4 more transcripts); short protein forms M5V.
Identifiers: ClinVar variation 3602136 (VCV003602136.1).

ClinVar aggregate classification (germline): Uncertain significance (1 of 4 stars; one submission).

gnomAD v4.1: 1 of 1,613,664 alleles (0.000062%); highest among the groups gnomAD compares: Middle Eastern, 0.016%; no homozygotes.

Submission:

GeneDx
Classification: Uncertain significance. Last evaluated: 2024-08-01. Review status: criteria provided, single submitter. Criteria: GeneDx Variant Classification Process June 2021. Collection method: clinical testing. Allele origin: germline. Affected: yes.
Comment: Not observed at significant frequency in large population cohorts (gnomAD); In silico analysis supports that this missense variant has a deleterious effect on protein structure/function; Has not been previously published as pathogenic or benign to our knowledge